The following is an entry in ClinVar:

ClinVar aggregate classification (germline): Likely benign (1 of 4 stars; one submission).

Allele frequency attached by ClinVar (database versions not stated): gnomAD exomes below 0.00001.
gnomAD v4.1: 1 of 1,609,150 alleles (0.000062%); highest among the groups gnomAD compares: South Asian, 0.0011%; no homozygotes.

Submission:

GeneDx
Classification: Likely benign. Last evaluated: 2017-08-08. Review status: criteria provided, single submitter. Criteria: GeneDx Variant Classification (06012015). Collection method: clinical testing. Allele origin: germline. Affected: yes.
Comment: This variant is considered likely benign or benign based on one or more of the following criteria: it is a conservative change, it occurs at a poorly conserved position in the protein, it is predicted to be benign by multiple in silico algorithms, and/or has population frequency not consistent with disease.

NM_002691.4(POLD1):c.2460C>T (p.Ala820=)

Gene: POLD1 (DNA polymerase delta 1, catalytic subunit; plus strand). Cytogenetic location: 19q13.33.
Variant type: single nucleotide variant.
Coding change: c.2460C>T on transcript NM_002691.4 (MANE Select); coding-DNA position 2460, C replaced by T.
Protein change: p.Ala820=; no amino-acid change (alanine 820 retained).
Molecular consequence: synonymous variant. On other transcripts: non-coding transcript variant (1).
Genome position (GRCh38, 1-based): chr19:50,414,886, C>T. VCF-style: chr19-50414886-C-T. GRCh37 (hg19) VCF-style: chr19-50918143-C-T.
Other names: c.2460C>T, p.Ala820= (NM_001256849.1); c.2538C>T, p.Ala846= (NM_001308632.1).
Identifiers: ClinVar variation 511403 (VCV000511403.1), dbSNP rs1436767848, ClinGen allele CA508186106.